The following is an entry in ClinVar:

ClinVar aggregate classification (germline): Uncertain significance (1 of 4 stars; one submission).

Submission:

Labcorp Genetics (formerly Invitae), Labcorp
Classification: Uncertain significance. Last evaluated: 2021-12-17. Review status: criteria provided, single submitter. Criteria: Invitae Variant Classification Sherloc (09022015). Collection method: clinical testing. Allele origin: germline.
Comment: This variant results in a copy number gain of the genomic region encompassing exon(s) 11-18 of the CTNNA1 gene. This region includes the termination codon of the gene. This copy number gain extends beyond the assayed region for this gene and therefore may encompass additional genes. As the precise location of this event is unknown, it may be in tandem or it may be located elsewhere in the genome. This variant has not been reported in the literature in individuals affected with CTNNA1-related conditions. Experimental studies and prediction algorithms are not available or were not evaluated, and the functional significance of this variant is currently unknown. In summary, the available evidence is currently insufficient to determine the role of this variant in disease. Therefore, it has been classified as a Variant of Uncertain Significance.

NC_000005.9:g.(?_138253421)_(138269778_?)dup

Gene: CTNNA1 (catenin alpha 1; plus strand). Cytogenetic location: 5q31.2.
Variant type: Duplication.
Identifiers: ClinVar variation 2424305 (VCV002424305.3).